The following is an entry in ClinVar:

ClinVar aggregate classification (germline): Uncertain significance (1 of 4 stars; one submission).

Conditions:
PGM1-congenital disorder of glycosylation. Also called: Congenital disorder of glycosylation type 1t; PHOSPHOGLUCOMUTASE 1 DEFICIENCY; PGM1 DEFICIENCY; GLYCOGEN STORAGE DISEASE XIV; GSD XIV; CDG It. Identifiers: Orphanet 319646, MedGen C2752015, MONDO:0013968, OMIM 614921.

Submission:

Labcorp Genetics (formerly Invitae), Labcorp
Classification: Uncertain significance for PGM1-congenital disorder of glycosylation. Last evaluated: 2022-10-05. Review status: criteria provided, single submitter. Criteria: Invitae Variant Classification Sherloc (09022015). Collection method: clinical testing. Allele origin: germline.
Comment: This sequence change replaces proline, which is neutral and non-polar, with leucine, which is neutral and non-polar, at codon 356 of the PGM1 protein (p.Pro356Leu). This variant is not present in population databases (gnomAD no frequency). This variant has not been reported in the literature in individuals affected with PGM1-related conditions. Advanced modeling of protein sequence and biophysical properties (such as structural, functional, and spatial information, amino acid conservation, physicochemical variation, residue mobility, and thermodynamic stability) performed at Invitae indicates that this missense variant is not expected to disrupt PGM1 protein function. In summary, the available evidence is currently insufficient to determine the role of this variant in disease. Therefore, it has been classified as a Variant of Uncertain Significance.

NM_002633.3(PGM1):c.1067C>T (p.Pro356Leu)

Gene: PGM1 (phosphoglucomutase 1; plus strand). Cytogenetic location: 1p31.3.
Variant type: single nucleotide variant.
Coding change: c.1067C>T on transcript NM_002633.3 (MANE Select); coding-DNA position 1067, C replaced by T.
Protein change: p.Pro356Leu; replaces proline 356 with leucine.
Molecular consequence: missense variant.
Genome position (GRCh38, 1-based): chr1:63,638,723, C>T. VCF-style: chr1-63638723-C-T. GRCh37 (hg19) VCF-style: chr1-64104394-C-T.
Other names: c.1121C>T, p.Pro374Leu (NM_001172818.1); c.476C>T, p.Pro159Leu (NM_001172819.2); short protein forms P374L, P159L, P356L.
Identifiers: ClinVar variation 2010155 (VCV002010155.4), dbSNP rs2523901421, ClinGen allele CA340637071.
Genomic context (GRCh38, chr1:63,638,723, plus strand): 5'-CTTTGATTTCATGCCTTTGAAGGGTGGCTAGTGCTACAAAGATTGCTTTGTATGAGACCC[C>T]AACTGGCTGGAAGTTTTTTGGGAATTTGATGGACGCGAGCAAACTGTCCCTTTGTGGGGA-3'
Protein context (NP_002624.2, residues 346-366): SATKIALYET[Pro356Leu]TGWKFFGNLM